The following is an entry in ClinVar:

ClinVar aggregate classification (germline): Benign (1 of 4 stars; one submission).

Conditions:
Lynch syndrome 4 (LYNCH4). Also called: Colorectal cancer, hereditary nonpolyposis, type 4; Hereditary non-polyposis colorectal cancer, type 4. Identifiers: Orphanet 144, MedGen C1838333, MONDO:0013699, OMIM 614337. Disease mechanism: loss of function.

Submission:

Myriad Genetics, Inc.
Classification: Benign for Lynch syndrome 4. Last evaluated: 2025-01-23. Review status: criteria provided, single submitter. Criteria: Myriad Autosomal Dominant, Autosomal Recessive and X-Linked Classification Criteria (2023). Collection method: clinical testing. Allele origin: unknown.
Comment: This variant is considered benign. This variant is a silent/synonymous amino acid change and it is not expected to impact splicing.

NM_000535.7(PMS2):c.124T>C (p.Leu42=)

Gene: PMS2 (PMS1 homolog 2, mismatch repair system component; minus strand). Cytogenetic location: 7p22.1.
Variant type: single nucleotide variant.
Coding change: c.124T>C on transcript NM_000535.7 (MANE Select); coding-DNA position 124, T replaced by C.
Protein change: p.Leu42=; no amino-acid change (leucine 42 retained).
Molecular consequence: synonymous variant. On other transcripts: 5 prime UTR variant (38), non-coding transcript variant (1), intron variant (7).
Genome position (GRCh38, 1-based): chr7:6,005,931, A>G on the plus strand (T>C on the coding strand, the complement: PMS2 is on the minus strand). VCF-style: chr7-6005931-A-G. GRCh37 (hg19) VCF-style: chr7-6045562-A-G.
Other names: c.-282T>C (NM_001322003.2, NM_001322005.2, NM_001322009.2 and 10 more transcripts); c.124T>C, p.Leu42= (NM_001322006.2, NM_001322014.2, NM_001406868.1 and 10 more transcripts); c.-92T>C (NM_001322007.2, NM_001406876.1, NM_001406883.1 and 4 more transcripts); c.-761T>C (NM_001322011.2, NM_001322012.2); c.-361T>C (NM_001322015.2, NM_001406875.1, NM_001406877.1 and 2 more transcripts); c.310T>C, p.Leu104= (NM_001406866.1); c.-308T>C (NM_001406880.1); c.-229T>C (NM_001406888.1, NM_001406889.1, NM_001406892.1 and 5 more transcripts); and 7 more.
Identifiers: ClinVar variation 3903575 (VCV003903575.1).